The following is an entry in ClinVar:

NM_006363.6(SEC23B):c.611T>G (p.Leu204Trp)

Genes: SEC23B (SEC23 homolog B, COPII component; plus strand), LOC126862987 (MED14-independent group 3 enhancer GRCh37_chr20:18504796-18505995; plus strand). Cytogenetic location: 20p11.23.
Variant type: single nucleotide variant.
Coding change: c.611T>G on transcript NM_006363.6 (MANE Select); coding-DNA position 611, T replaced by G.
Protein change: p.Leu204Trp; replaces leucine 204 with tryptophan.
Molecular consequence: missense variant.
Genome position (GRCh38, 1-based): chr20:18,524,942, T>G. VCF-style: chr20-18524942-T-G. GRCh37 (hg19) VCF-style: chr20-18505586-T-G.
Other names: p.Leu204Trp; c.611T>G, p.Leu204Trp (NM_001172745.3, NM_032985.6, NM_032986.5); c.557T>G, p.Leu186Trp (NM_001172746.3); short protein forms L186W, L204W.
Identifiers: ClinVar variation 4542379 (VCV004542379.1).

ClinVar aggregate classification (germline): Uncertain significance (1 of 4 stars; one submission).

Submission:

Mayo Clinic Laboratories, Mayo Clinic
Classification: Uncertain significance. Last evaluated: 2025-01-23. Review status: criteria provided, single submitter. Criteria: ACMG Guidelines, 2015. Collection method: clinical testing. Allele origin: germline. Observed: 1 variant allele.
Comment: PP3_moderate, PM2_supporting